The following is an entry in ClinVar:

NM_000406.3(GNRHR):c.*809C>T

Gene: GNRHR (gonadotropin releasing hormone receptor; minus strand). Cytogenetic location: 4q13.2.
Variant type: single nucleotide variant.
Coding change: c.*809C>T on transcript NM_000406.3 (MANE Select); 809 bases downstream of the stop codon, C replaced by T.
Molecular consequence: 3 prime UTR variant.
Genome position (GRCh38, 1-based): chr4:67,739,671, G>A on the plus strand (C>T on the coding strand, the complement: GNRHR is on the minus strand). VCF-style: chr4-67739671-G-A. GRCh37 (hg19) VCF-style: chr4-68605389-G-A.
Other names: c.*918C>T (NM_001012763.2).
Identifiers: ClinVar variation 349444 (VCV000349444.6), dbSNP rs35683646, ClinGen allele CA10621565.

ClinVar aggregate classification (germline): Benign. Review status: criteria provided, multiple submitters, no conflicts (2 of 4 stars). 2 submissions from 2 submitters: Benign (2). Last evaluated 2018-01-13.

Conditions:
Hypogonadotropic hypogonadism 7 with or without anosmia (HH7). Also called: HYPOGONADOTROPIC HYPOGONADISM 7 WITHOUT ANOSMIA; GNRHR-Related GnRH Deficiency. Identifiers: Orphanet 432, MedGen C0342384, MONDO:0007794, OMIM 146110.

Allele frequency attached by ClinVar (database versions not stated): 1000 Genomes Project 0.18590; 1000 Genomes Project 30x 0.19097; gnomAD 0.22837 and 0.23471; TOPMed 0.23287; gnomAD exomes 0.25000.
gnomAD v4.1: 34,820 of 151,828 alleles (23%); highest among the groups gnomAD compares: Middle Eastern, 30%; 4,106 homozygotes.

Submissions (2):

Illumina Laboratory Services, Illumina
Classification: Benign for Hypogonadotropic hypogonadism 7 with or without anosmia. Last evaluated: 2018-01-13. Review status: criteria provided, single submitter. Criteria: ICSL Variant Classification Criteria 13 December 2019. Collection method: clinical testing. Allele origin: germline.
Comment: This variant was observed in the ICSL laboratory as part of a predisposition screen in an ostensibly healthy population. It had not been previously curated by ICSL or reported in the Human Gene Mutation Database (HGMD: prior to June 1st, 2018), and was therefore a candidate for classification through an automated scoring system. Utilizing variant allele frequency, disease prevalence and penetrance estimates, and inheritance mode, an automated score was calculated to assess if this variant is too frequent to cause the disease. Based on the score and internal cut-off values, a variant classified as benign is not then subjected to further curation. The score for this variant resulted in a classification of benign for this disease.

Breakthrough Genomics
Classification: Benign. Review status: criteria provided, single submitter. Criteria: ACMG Guidelines, 2015. Collection method: not provided. Allele origin: germline. Inheritance: Autosomal recessive inheritance. Affected: yes.